The following is an entry in ClinVar:

NM_001369369.1(FOXN1):c.1151del (p.Leu384fs)

Gene: FOXN1 (forkhead box N1; plus strand). Cytogenetic location: 17q11.2.
Variant type: Deletion.
Coding change: c.1151del on transcript NM_001369369.1 (MANE Select); coding-DNA position 1151, one base deleted (T; older notation c.1151delT).
Protein change: p.Leu384fs; shifts the reading frame from leucine 384.
Molecular consequence: frameshift variant.
Genome position (GRCh38, 1-based): chr17:28,534,722, T deleted. VCF-style (leftmost placement, unchanged base first): chr17-28534721-CT-C. GRCh37 (hg19) VCF-style: chr17-26861739-CT-C.
Other names: c.1151del, p.Leu384fs (NM_003593.3); short protein forms L384fs.
Identifiers: ClinVar variation 2823406 (VCV002823406.3), dbSNP rs2508426674, ClinGen allele CA2739267268.

ClinVar aggregate classification (germline): Pathogenic (1 of 4 stars; one submission).

Conditions:
T-cell immunodeficiency, congenital alopecia, and nail dystrophy. Also called: Congenital alopecia and nail dystrophy associated with severe functional T-cell immunodeficiency; Pignata Guarino syndrome. Identifiers: Orphanet 169095, MedGen C1866426, MONDO:0011132, OMIM 601705.

Submission:

Labcorp Genetics (formerly Invitae), Labcorp
Classification: Pathogenic for T-cell immunodeficiency, congenital alopecia, and nail dystrophy. Last evaluated: 2022-12-23. Review status: criteria provided, single submitter. Criteria: Invitae Variant Classification Sherloc (09022015). Collection method: clinical testing. Allele origin: germline.
Comment: For these reasons, this variant has been classified as Pathogenic. This variant disrupts a region of the FOXN1 protein in which other variant(s) (p.Gln489Argfs*61) have been determined to be pathogenic (PMID: 31566583; Invitae). This suggests that this is a clinically significant region of the protein, and that variants that disrupt it are likely to be disease-causing. Algorithms developed to predict the effect of sequence changes on RNA splicing suggest that this variant may disrupt the consensus splice site. This variant has not been reported in the literature in individuals affected with FOXN1-related conditions. This variant is not present in population databases (gnomAD no frequency). This sequence change creates a premature translational stop signal (p.Leu384Profs*166) in the FOXN1 gene. While this is not anticipated to result in nonsense mediated decay, it is expected to disrupt the last 265 amino acid(s) of the FOXN1 protein.

Literature cited by the submitters: PubMed 31566583.